The following is an entry in ClinVar:

ClinVar aggregate classification (germline): Pathogenic. Review status: criteria provided, multiple submitters, no conflicts (2 of 4 stars). 4 submissions from 4 submitters: Pathogenic (3). 1 of the submissions does not count toward it. Last evaluated 2023-03-01.

Conditions:
Autosomal recessive nonsyndromic hearing loss 1A (DFNB1A). Also called: GJB2-Related Autosomal Recessive Nonsyndromic Hearing Loss; Deafness, autosomal recessive 1A; Connexin 26 deafness; Deafness nonsyndromic, Connexin 26 linked; Nonsyndromic Hearing Loss and Deafness, DFNB1; GJB6-Related DFNB 1 Nonsyndromic Hearing Loss and Deafness. Identifiers: Orphanet 90636, MedGen C2673759, MONDO:0009076, OMIM 220290.

Allele frequency attached by ClinVar (database versions not stated): gnomAD exomes below 0.00001; ExAC 0.00001.

Submissions (4):

Payam Genetics Center, General Welfare Department of North Khorasan Province
Classification: Pathogenic for Autosomal recessive nonsyndromic hearing loss 1A. Last evaluated: 2023-03-01. Review status: criteria provided, single submitter. Criteria: ACMG Guidelines, 2015. Collection method: clinical testing. Allele origin: germline. Affected: yes. Observed: 5 variant alleles.
Comment: The GJB2 c.465T>A (p.Y155X) is a missens mutation and results at the protein level is a disfunctional or truncated protein, predicted lead to disease.This variant is not present in Iranian population databases. This variant as Pathogenic according to the ACMG classification.

(p.Y155X)

GeneDx
Classification: Pathogenic. Last evaluated: 2018-06-07. Review status: criteria provided, single submitter. Criteria: GeneDx Variant Classification (06012015). Collection method: clinical testing. Allele origin: germline. Affected: yes.
Comment: The Y155X nonsense variant has been reported previously as compound heterozygous with other pathogenic variants in patients with autosomal recessive nonsyndromic hearing loss (DFNB1) (Tekin et al., 2005; Hismi et al., 2006; Bonyadi et al., 2014). This variant is predicted to cause loss of normal protein function either through protein truncation or nonsense-mediated mRNA decay. The variant is not observed in large population cohorts (Lek et al., 2016). In summary, we consider this variant to be pathogenic.

Eurofins Ntd Llc (ga)
Classification: Pathogenic. Last evaluated: 2014-09-18. Review status: criteria provided, single submitter. Criteria: EGL Classification Definitions 2015. Collection method: clinical testing. Allele origin: germline. Observed: 1 variant allele, 1 heterozygote.

Natera, Inc.
Classification: Pathogenic for Autosomal recessive deafness type 1A. Last evaluated: 2020-09-16. Review status: no assertion criteria provided. Collection method: clinical testing. Allele origin: germline. Not counted in ClinVar's aggregate classification.

Literature cited by the submitters: PubMed 20863150 (cited by Eurofins Ntd Llc (ga)).

NM_004004.6(GJB2):c.465T>A (p.Tyr155Ter)

Gene: GJB2 (gap junction protein beta 2; minus strand). Cytogenetic location: 13q12.11.
Variant type: single nucleotide variant.
Coding change: c.465T>A on transcript NM_004004.6 (MANE Select); coding-DNA position 465, T replaced by A.
Protein change: p.Tyr155Ter; replaces tyrosine 155 with a stop codon.
Molecular consequence: nonsense.
Genome position (GRCh38, 1-based): chr13:20,189,117, A>T on the plus strand (T>A on the coding strand, the complement: GJB2 is on the minus strand). VCF-style: chr13-20189117-A-T. GRCh37 (hg19) VCF-style: chr13-20763256-A-T.
Other names: short protein forms Y155*.
Identifiers: ClinVar variation 195205 (VCV000195205.7), dbSNP rs772264564, ClinGen allele CA275075.